The following is an entry in ClinVar:

ClinVar aggregate classification (germline): Uncertain significance (1 of 4 stars; one submission).

gnomAD v4.1: 8 of 765,300 alleles (0.001%); highest among the groups gnomAD compares: Non-Finnish European, 0.0017%; no homozygotes.

Submission:

Labcorp Genetics (formerly Invitae), Labcorp
Classification: Uncertain significance. Last evaluated: 2023-06-29. Review status: criteria provided, single submitter. Criteria: Invitae Variant Classification Sherloc (09022015). Collection method: clinical testing. Allele origin: germline.
Comment: This variant is present in population databases (rs200875242, gnomAD 0.0009%). This variant has not been reported in the literature in individuals affected with SNORD118-related conditions. ClinVar contains an entry for this variant (Variation ID: 1922335). Experimental studies and prediction algorithms are not available or were not evaluated, and the functional significance of this variant is currently unknown. In summary, the available evidence is currently insufficient to determine the role of this variant in disease. Therefore, it has been classified as a Variant of Uncertain Significance. This variant occurs in the SNORD118 gene, which encodes an RNA molecule that does not result in a protein product.

NR_033294.2(SNORD118):n.22T>G

Genes: SNORD118 (small nucleolar RNA, C/D box 118; minus strand), TMEM107 (transmembrane protein 107; minus strand). Cytogenetic location: 17p13.1.
Variant type: single nucleotide variant.
Molecular consequence: non-coding transcript variant (on NR_033294.2). On other transcripts: 3 prime UTR variant (5).
Genome position: GRCh38 VCF-style: chr17-8173567-A-C. GRCh37 (hg19) VCF-style: chr17-8076885-A-C.
Other names: c.*636T>G (NM_001351278.2, NM_001351279.2, NM_001351280.2 and 2 more transcripts).
Identifiers: ClinVar variation 1922335 (VCV001922335.5), dbSNP rs200875242, ClinGen allele CA8370807.